The following is an entry in ClinVar:

ClinVar aggregate classification (germline): Uncertain significance (1 of 4 stars; one submission).

Submission:

Labcorp Genetics (formerly Invitae), Labcorp
Classification: Uncertain significance. Last evaluated: 2025-05-10. Review status: criteria provided, single submitter. Criteria: Invitae Variant Classification Sherloc (09022015). Collection method: clinical testing. Allele origin: germline.
Comment: This variant, c.193_195del, results in the deletion of 1 amino acid(s) of the STAG2 protein (p.Ser65del), but otherwise preserves the integrity of the reading frame. This variant is not present in population databases (gnomAD no frequency). This variant has not been reported in the literature in individuals affected with STAG2-related conditions. Experimental studies and prediction algorithms are not available or were not evaluated, and the functional significance of this variant is currently unknown. In summary, the available evidence is currently insufficient to determine the role of this variant in disease. Therefore, it has been classified as a Variant of Uncertain Significance.

NM_001042750.2(STAG2):c.193_195del (p.Ser65del)

Gene: STAG2 (STAG2 cohesin complex component; plus strand). Cytogenetic location: Xq25.
Variant type: Deletion.
Coding change: c.193_195del on transcript NM_001042750.2 (MANE Select); coding-DNA positions 193 to 195, 3 bases deleted (TCT; older notation c.193_195delTCT).
Protein change: p.Ser65del; deletes serine 65.
Molecular consequence: inframe deletion.
Genome position (GRCh38, 1-based): chrX:124,031,030-124,031,032, TCT deleted; deleting any 3 consecutive bases within chrX:124,031,028-124,031,032 gives the same sequence; the c. name uses the placement nearest the transcript's 3' end. VCF-style (leftmost placement, unchanged base first): chrX-124031027-CCTT-C. GRCh37 (hg19) VCF-style: chrX-123164877-CCTT-C.
Other names: c.193_195del, p.Ser65del (NM_001042749.2, NM_001042751.2, NM_001282418.2 and 23 more transcripts); short protein forms S65del.
Identifiers: ClinVar variation 4719288 (VCV004719288.1).